The following is an entry in ClinVar:

NM_002471.4(MYH6):c.217G>C (p.Glu73Gln)

Genes: MYH6 (myosin heavy chain 6; minus strand), LOC114827851 (VISTA enhancer hs2155; plus strand). Cytogenetic location: 14q11.2.
Variant type: single nucleotide variant.
Coding change: c.217G>C on transcript NM_002471.4 (MANE Select); coding-DNA position 217, G replaced by C.
Protein change: p.Glu73Gln; replaces glutamic acid 73 with glutamine.
Molecular consequence: missense variant.
Genome position (GRCh38, 1-based): chr14:23,405,755, C>G on the plus strand (G>C on the coding strand, the complement: MYH6 is on the minus strand). VCF-style: chr14-23405755-C-G. GRCh37 (hg19) VCF-style: chr14-23874964-C-G.
Other names: short protein forms E73Q.
Identifiers: ClinVar variation 4743967 (VCV004743967.1).

ClinVar aggregate classification (germline): Uncertain significance (1 of 4 stars; one submission).

Conditions:
Hypertrophic cardiomyopathy 14. Identifiers: MedGen C2750467, MONDO:0013197, OMIM 613251.

Submission:

Labcorp Genetics (formerly Invitae), Labcorp
Classification: Uncertain significance for Hypertrophic cardiomyopathy 14. Last evaluated: 2025-03-16. Review status: criteria provided, single submitter. Criteria: Invitae Variant Classification Sherloc (09022015). Collection method: clinical testing. Allele origin: germline.
Comment: This sequence change replaces glutamic acid, which is acidic and polar, with glutamine, which is neutral and polar, at codon 73 of the MYH6 protein (p.Glu73Gln). This variant is not present in population databases (gnomAD no frequency). This variant has not been reported in the literature in individuals affected with MYH6-related conditions. Invitae Evidence Modeling of protein sequence and biophysical properties (such as structural, functional, and spatial information, amino acid conservation, physicochemical variation, residue mobility, and thermodynamic stability) indicates that this missense variant is not expected to disrupt MYH6 protein function with a negative predictive value of 80%. In summary, the available evidence is currently insufficient to determine the role of this variant in disease. Therefore, it has been classified as a Variant of Uncertain Significance.